The following is an entry in ClinVar:

NM_006662.3(SRCAP):c.7249G>A (p.Ala2417Thr)

Gene: SRCAP (Snf2 related CREBBP activator protein; plus strand). Cytogenetic location: 16p11.2.
Variant type: single nucleotide variant.
Coding change: c.7249G>A on transcript NM_006662.3 (MANE Select); coding-DNA position 7249, G replaced by A.
Protein change: p.Ala2417Thr; replaces alanine 2417 with threonine.
Molecular consequence: missense variant.
Genome position (GRCh38, 1-based): chr16:30,737,289, G>A. VCF-style: chr16-30737289-G-A. GRCh37 (hg19) VCF-style: chr16-30748610-G-A.
Other names: short protein forms A2417T.
Identifiers: ClinVar variation 4749818 (VCV004749818.1).

ClinVar aggregate classification (germline): Uncertain significance (1 of 4 stars; one submission).

gnomAD v4.1: 1 of 1,613,910 alleles (0.000062%); highest among the groups gnomAD compares: Admixed American, 0.0017%; no homozygotes.

Submission:

Labcorp Genetics (formerly Invitae), Labcorp
Classification: Uncertain significance. Last evaluated: 2025-08-04. Review status: criteria provided, single submitter. Criteria: Invitae Variant Classification Sherloc (09022015). Collection method: clinical testing. Allele origin: germline.
Comment: This sequence change replaces alanine, which is neutral and non-polar, with threonine, which is neutral and polar, at codon 2417 of the SRCAP protein (p.Ala2417Thr). This variant is present in population databases (rs773086154, gnomAD 0.003%). This variant has not been reported in the literature in individuals affected with SRCAP-related conditions. Invitae Evidence Modeling of protein sequence and biophysical properties (such as structural, functional, and spatial information, amino acid conservation, physicochemical variation, residue mobility, and thermodynamic stability) indicates that this missense variant is not expected to disrupt SRCAP protein function with a negative predictive value of 80%. In summary, the available evidence is currently insufficient to determine the role of this variant in disease. Therefore, it has been classified as a Variant of Uncertain Significance.